The following is an entry in ClinVar:

ClinVar aggregate classification (germline): Likely benign (1 of 4 stars; one submission).

Submission:

CeGaT Center for Human Genetics Tuebingen
Classification: Likely benign. Last evaluated: 2025-10-01. Review status: criteria provided, single submitter. Criteria: CeGaT Center For Human Genetics Tuebingen Variant Classification Criteria Version 2. Collection method: clinical testing. Allele origin: germline. Affected: yes. Observed: 1 variant allele.
Comment: SLC67A1: PM2:Supporting, BP4, BP7

NM_002555.6(SLC67A1):c.507G>C (p.Leu169=)

Gene: SLC67A1 (solute carrier family 67 member 1; plus strand). Cytogenetic location: 11p15.4.
Variant type: single nucleotide variant.
Coding change: c.507G>C on transcript NM_002555.6 (MANE Select); coding-DNA position 507, G replaced by C.
Protein change: p.Leu169=; no amino-acid change (leucine 169 retained).
Molecular consequence: synonymous variant. On other transcripts: intron variant (1).
Genome position (GRCh38, 1-based): chr11:2,909,681, G>C. VCF-style: chr11-2909681-G-C. GRCh37 (hg19) VCF-style: chr11-2930911-G-C.
Other names: c.762G>C, p.Leu254= (NM_001315501.2); c.507G>C, p.Leu169= (NM_183233.3); c.242+1351G>C (NM_001315502.2).
Identifiers: ClinVar variation 4534914 (VCV004534914.6).